The following is an entry in ClinVar:

ClinVar aggregate classification (germline): Uncertain significance (1 of 4 stars; one submission).

Conditions:
Osteogenesis imperfecta type I (OI1). Also called: OI, TYPE I; OSTEOGENESIS IMPERFECTA TARDA; OSTEOGENESIS IMPERFECTA WITH BLUE SCLERAE; Osteogenesis imperfecta type 1; Lobstein's Disease; Lobstein disease. Identifiers: Orphanet 216796, Orphanet 666, MedGen C0023931, MONDO:0008146, OMIM 166200. Disease mechanism: loss of function.

gnomAD v4.1: 1 of 1,613,286 alleles (0.000062%); highest among the groups gnomAD compares: Non-Finnish European, 0.000085%; no homozygotes.

Submission:

Labcorp Genetics (formerly Invitae), Labcorp
Classification: Uncertain significance for Osteogenesis imperfecta type I. Last evaluated: 2024-04-02. Review status: criteria provided, single submitter. Criteria: Invitae Variant Classification Sherloc (09022015). Collection method: clinical testing. Allele origin: germline.
Comment: This sequence change replaces proline, which is neutral and non-polar, with arginine, which is basic and polar, at codon 928 of the COL1A1 protein (p.Pro928Arg). This variant is not present in population databases (gnomAD no frequency). This variant has not been reported in the literature in individuals affected with COL1A1-related conditions. Advanced modeling of protein sequence and biophysical properties (such as structural, functional, and spatial information, amino acid conservation, physicochemical variation, residue mobility, and thermodynamic stability) has been performed at Invitae for this missense variant, however the output from this modeling did not meet the statistical confidence thresholds required to predict the impact of this variant on COL1A1 protein function. In summary, the available evidence is currently insufficient to determine the role of this variant in disease. Therefore, it has been classified as a Variant of Uncertain Significance.

NM_000088.4(COL1A1):c.2783C>G (p.Pro928Arg)

Gene: COL1A1 (collagen type I alpha 1 chain; minus strand). Cytogenetic location: 17q21.33.
Variant type: single nucleotide variant.
Coding change: c.2783C>G on transcript NM_000088.4 (MANE Select); coding-DNA position 2783, C replaced by G.
Protein change: p.Pro928Arg; replaces proline 928 with arginine.
Molecular consequence: missense variant.
Genome position (GRCh38, 1-based): chr17:50,189,423, G>C on the plus strand (C>G on the coding strand, the complement: COL1A1 is on the minus strand). VCF-style: chr17-50189423-G-C. GRCh37 (hg19) VCF-style: chr17-48266784-G-C.
Other names: short protein forms P928R.
Identifiers: ClinVar variation 3685009 (VCV003685009.2).
Genomic context (GRCh38, chr17:50,189,423, plus strand): 5'-GAGCTGGCACTTACAGCAGGACCATCAGCACCAGGGGATCCTTTCTCGCCAGCAGGGCCA[G>C]GGGGACCAGGGGGACCAACTTCACCAGGACGTCCAGCAGGGCCAGTCTCACCACGGGGAC-3'
Protein context (NP_000079.2, residues 918-938): RPGEVGPPGP[Pro928Arg]GPAGEKGSPG